The following is an entry in ClinVar:

NM_004818.3(DDX23):c.1277T>A (p.Leu426Gln)

Gene: DDX23 (DEAD-box helicase 23; minus strand). Cytogenetic location: 12q13.12.
Variant type: single nucleotide variant.
Coding change: c.1277T>A on transcript NM_004818.3 (MANE Select); coding-DNA position 1277, T replaced by A.
Protein change: p.Leu426Gln; replaces leucine 426 with glutamine.
Molecular consequence: missense variant.
Genome position (GRCh38, 1-based): chr12:48,836,226, A>T on the plus strand (T>A on the coding strand, the complement: DDX23 is on the minus strand). VCF-style: chr12-48836226-A-T. GRCh37 (hg19) VCF-style: chr12-49230009-A-T.
Other names: short protein forms L426Q.
Identifiers: ClinVar variation 1710775 (VCV001710775.2), dbSNP rs2137484089, ClinGen allele CA384673680.
Genomic context (GRCh38, chr12:48,836,226, plus strand): 5'-AGGAAGGCTGCTGTCTTGCCACTGCCAGTCTCAGCCACACCAATGATGTCACGATTCTGT[A>T]GCCCAATGGGAATTGCCTGACGCTGTATAGGTGTTGGTTCCTGCAGTGACCCCAAGAAAG-3'
Protein context (NP_004809.2, residues 416-436): PIQRQAIPIG[Leu426Gln]QNRDIIGVAE

ClinVar aggregate classification (germline): Uncertain significance (1 of 4 stars; one submission).

Allele frequency attached by ClinVar (database versions not stated): gnomAD exomes below 0.00001.
gnomAD v4.1: 1 of 1,614,194 alleles (0.000062%); highest among the groups gnomAD compares: Non-Finnish European, 0.000085%; no homozygotes.

Submission:

GeneDx
Classification: Uncertain significance. Last evaluated: 2022-04-12. Review status: criteria provided, single submitter. Criteria: GeneDx Variant Classification Process June 2021. Collection method: clinical testing. Allele origin: germline. Affected: yes.
Comment: Not observed at significant frequency in large population cohorts (gnomAD); In silico analysis supports that this missense variant has a deleterious effect on protein structure/function; Has not been previously published as pathogenic or benign to our knowledge